The following is an entry in ClinVar:

NM_004006.3(DMD):c.10238T>A (p.Ile3413Asn)

Gene: DMD (dystrophin; minus strand). Cytogenetic location: Xp21.2.
Variant type: single nucleotide variant.
Coding change: c.10238T>A on transcript NM_004006.3 (MANE Select); coding-DNA position 10238, T replaced by A.
Protein change: p.Ile3413Asn; replaces isoleucine 3413 with asparagine.
Molecular consequence: missense variant. On other transcripts: intron variant (5).
Genome position (GRCh38, 1-based): chrX:31,177,956, A>T on the plus strand (T>A on the coding strand, the complement: DMD is on the minus strand). VCF-style: chrX-31177956-A-T. GRCh37 (hg19) VCF-style: chrX-31196073-A-T.
Other names: c.10214T>A, p.Ile3405Asn (NM_000109.4); c.10226T>A, p.Ile3409Asn (NM_004009.3); c.9869T>A, p.Ile3290Asn (NM_004010.3); c.6215T>A, p.Ile2072Asn (NM_004011.4); c.6206T>A, p.Ile2069Asn (NM_004012.4); c.2858T>A, p.Ile953Asn (NM_004013.3, NM_004021.3); c.2051T>A, p.Ile684Asn (NM_004014.3); c.1034T>A, p.Ile345Asn (NM_004015.3, NM_004016.3); and 2 more; short protein forms I3290N, I3409N, I3413N, I345N, I953N, I2072N, I3405N, I684N.
Identifiers: ClinVar variation 2859149 (VCV002859149.3), dbSNP rs1462556759, ClinGen allele CA412652636.

ClinVar aggregate classification (germline): Uncertain significance (1 of 4 stars; one submission).

Conditions:
Duchenne muscular dystrophy (DMD). Also called: MUSCULAR DYSTROPHY, PSEUDOHYPERTROPHIC PROGRESSIVE, DUCHENNE TYPE; Duchenne Muscular Dystrophy (DMD). Identifiers: Orphanet 98896, MedGen C0013264, MONDO:0010679, OMIM 310200.

Submission:

Labcorp Genetics (formerly Invitae), Labcorp
Classification: Uncertain significance for Duchenne muscular dystrophy. Last evaluated: 2023-04-25. Review status: criteria provided, single submitter. Criteria: Invitae Variant Classification Sherloc (09022015). Collection method: clinical testing. Allele origin: germline.
Comment: This sequence change replaces isoleucine, which is neutral and non-polar, with asparagine, which is neutral and polar, at codon 3413 of the DMD protein (p.Ile3413Asn). This variant is not present in population databases (gnomAD no frequency). This variant has not been reported in the literature in individuals affected with DMD-related conditions. Advanced modeling of protein sequence and biophysical properties (such as structural, functional, and spatial information, amino acid conservation, physicochemical variation, residue mobility, and thermodynamic stability) performed at Invitae indicates that this missense variant is not expected to disrupt DMD protein function. In summary, the available evidence is currently insufficient to determine the role of this variant in disease. Therefore, it has been classified as a Variant of Uncertain Significance.